The following is an entry in ClinVar:

NM_000215.4(JAK3):c.2704A>G (p.Met902Val)

Gene: JAK3 (Janus kinase 3; minus strand). Cytogenetic location: 19p13.11.
Variant type: single nucleotide variant.
Coding change: c.2704A>G on transcript NM_000215.4 (MANE Select); coding-DNA position 2704, A replaced by G.
Protein change: p.Met902Val; replaces methionine 902 with valine.
Molecular consequence: missense variant.
Genome position (GRCh38, 1-based): chr19:17,831,775, T>C on the plus strand (A>G on the coding strand, the complement: JAK3 is on the minus strand). VCF-style: chr19-17831775-T-C. GRCh37 (hg19) VCF-style: chr19-17942584-T-C.
Other names: short protein forms M902V.
Identifiers: ClinVar variation 944488 (VCV000944488.11), dbSNP rs200855932, ClinGen allele CA9301534.

ClinVar aggregate classification (germline): Uncertain significance. Review status: criteria provided, multiple submitters, no conflicts (2 of 4 stars). 3 submissions from 3 submitters: Uncertain significance (3). Last evaluated 2025-04-24.

Conditions:
Inborn genetic diseases. Identifiers: MedGen C0950123, MeSH D030342.
T-B+ severe combined immunodeficiency due to JAK3 deficiency. Also called: SCID, T CELL-NEGATIVE, B CELL-POSITIVE, NK CELL-NEGATIVE; SCID, autosomal recessive, T-negative/B-positive type. Identifiers: Orphanet 35078, MedGen C1833275, MONDO:0010938, OMIM 600802.

Allele frequency attached by ClinVar (database versions not stated): ExAC 0.00001.
gnomAD v4.1: 16 of 1,612,748 alleles (0.00099%); highest among the groups gnomAD compares: Admixed American, 0.0017%; no homozygotes.

Submissions (3):

Ambry Genetics
Classification: Uncertain significance for Inborn genetic diseases. Last evaluated: 2025-04-24. Review status: criteria provided, single submitter. Criteria: Ambry Variant Classification Scheme 2023. Collection method: clinical testing. Allele origin: germline.

Labcorp Genetics (formerly Invitae), Labcorp
Classification: Uncertain significance for T-B+ severe combined immunodeficiency due to JAK3 deficiency. Last evaluated: 2024-06-05. Review status: criteria provided, single submitter. Criteria: Invitae Variant Classification Sherloc (09022015). Collection method: clinical testing. Allele origin: germline.
Comment: This sequence change replaces methionine, which is neutral and non-polar, with valine, which is neutral and non-polar, at codon 902 of the JAK3 protein (p.Met902Val). This variant is present in population databases (rs200855932, gnomAD 0.003%). This variant has not been reported in the literature in individuals affected with JAK3-related conditions. ClinVar contains an entry for this variant (Variation ID: 944488). Advanced modeling of protein sequence and biophysical properties (such as structural, functional, and spatial information, amino acid conservation, physicochemical variation, residue mobility, and thermodynamic stability) performed at Invitae indicates that this missense variant is expected to disrupt JAK3 protein function with a positive predictive value of 80%. In summary, the available evidence is currently insufficient to determine the role of this variant in disease. Therefore, it has been classified as a Variant of Uncertain Significance.

Blueprint Genetics
Classification: Uncertain significance. Last evaluated: 2024-04-29. Review status: criteria provided, single submitter. Criteria: ACMG Guidelines, 2015. Collection method: clinical testing. Allele origin: germline.